The following is an entry in ClinVar:

ClinVar aggregate classification (germline): Uncertain significance (1 of 4 stars; one submission).

Submission:

Labcorp Genetics (formerly Invitae), Labcorp
Classification: Uncertain significance. Last evaluated: 2023-07-10. Review status: criteria provided, single submitter. Criteria: Invitae Variant Classification Sherloc (09022015). Collection method: clinical testing. Allele origin: germline.
Comment: This variant has not been reported in the literature in individuals affected with KCNJ11-related conditions. In summary, the available evidence is currently insufficient to determine the role of this variant in disease. Therefore, it has been classified as a Variant of Uncertain Significance. Advanced modeling of protein sequence and biophysical properties (such as structural, functional, and spatial information, amino acid conservation, physicochemical variation, residue mobility, and thermodynamic stability) performed at Invitae indicates that this missense variant is expected to disrupt KCNJ11 protein function. This variant is not present in population databases (gnomAD no frequency). This sequence change replaces proline, which is neutral and non-polar, with serine, which is neutral and polar, at codon 342 of the KCNJ11 protein (p.Pro342Ser).

NM_000525.4(KCNJ11):c.1024C>T (p.Pro342Ser)

Gene: KCNJ11 (potassium inwardly rectifying channel subfamily J member 11; minus strand). Cytogenetic location: 11p15.1.
Variant type: single nucleotide variant.
Coding change: c.1024C>T on transcript NM_000525.4 (MANE Select); coding-DNA position 1024, C replaced by T.
Protein change: p.Pro342Ser; replaces proline 342 with serine.
Molecular consequence: missense variant.
Genome position (GRCh38, 1-based): chr11:17,387,068, G>A on the plus strand (C>T on the coding strand, the complement: KCNJ11 is on the minus strand). VCF-style: chr11-17387068-G-A. GRCh37 (hg19) VCF-style: chr11-17408615-G-A.
Other names: c.763C>T, p.Pro255Ser (NM_001166290.2, NM_001377296.1, NM_001377297.1); short protein forms P255S, P342S.
Identifiers: ClinVar variation 2876978 (VCV002876978.3), dbSNP rs2496407656, ClinGen allele CA379769400.